The following is an entry in ClinVar:

ClinVar aggregate classification (germline): Uncertain significance (1 of 4 stars; one submission).

Allele frequency attached by ClinVar (database versions not stated): gnomAD 0.00003; TOPMed 0.00003; ExAC 0.00005.
gnomAD v4.1: 83 of 1,613,334 alleles (0.0051%); highest among the groups gnomAD compares: Non-Finnish European, 0.0069%; no homozygotes.

Submission:

Labcorp Genetics (formerly Invitae), Labcorp
Classification: Uncertain significance. Last evaluated: 2022-07-04. Review status: criteria provided, single submitter. Criteria: Invitae Variant Classification Sherloc (09022015). Collection method: clinical testing. Allele origin: germline.
Comment: This variant has not been reported in the literature in individuals affected with WDR62-related conditions. In summary, the available evidence is currently insufficient to determine the role of this variant in disease. Therefore, it has been classified as a Variant of Uncertain Significance. Algorithms developed to predict the effect of missense changes on protein structure and function are either unavailable or do not agree on the potential impact of this missense change (SIFT: "Deleterious"; PolyPhen-2: "Probably Damaging"; Align-GVGD: "Class C0"). This variant is present in population databases (rs751667801, gnomAD 0.008%). This sequence change replaces aspartic acid, which is acidic and polar, with glutamic acid, which is acidic and polar, at codon 694 of the WDR62 protein (p.Asp694Glu).

NM_001083961.2(WDR62):c.2082C>A (p.Asp694Glu)

Gene: WDR62 (WD repeat domain 62; plus strand). Cytogenetic location: 19q13.12.
Variant type: single nucleotide variant.
Coding change: c.2082C>A on transcript NM_001083961.2 (MANE Select); coding-DNA position 2082, C replaced by A.
Protein change: p.Asp694Glu; replaces aspartic acid 694 with glutamic acid.
Molecular consequence: missense variant.
Genome position (GRCh38, 1-based): chr19:36,091,247, C>A. VCF-style: chr19-36091247-C-A. GRCh37 (hg19) VCF-style: chr19-36582149-C-A.
Other names: c.2067C>A, p.Asp689Glu (NM_001411145.1); c.2082C>A, p.Asp694Glu (NM_001411146.1, NM_173636.5); c.1731C>A, p.Asp577Glu (NM_001411147.1); short protein forms D689E, D694E, D577E.
Identifiers: ClinVar variation 1979554 (VCV001979554.4), dbSNP rs751667801, ClinGen allele CA9395830.